The following is an entry in ClinVar:

NM_000215.4(JAK3):c.123_126del (p.Phe43fs)

Gene: JAK3 (Janus kinase 3; minus strand). Cytogenetic location: 19p13.11.
Variant type: Deletion.
Coding change: c.123_126del on transcript NM_000215.4 (MANE Select); coding-DNA positions 123 to 126, 4 bases deleted (ATCT; older notation c.123_126delATCT).
Protein change: p.Phe43fs; shifts the reading frame from phenylalanine 43.
Molecular consequence: frameshift variant.
Genome position (GRCh38, 1-based): chr19:17,844,292-17,844,295, AGAT deleted on the plus strand (ATCT on the coding strand, the reverse complement: JAK3 is on the minus strand); deleting any 4 consecutive bases within chr19:17,844,292-17,844,297 gives the same sequence; the c. name uses the placement nearest the transcript's 3' end. VCF-style (leftmost placement, unchanged base first): chr19-17844291-AAGAT-A. GRCh37 (hg19) VCF-style: chr19-17955100-AAGAT-A.
Other names: short protein forms F43fs.
Identifiers: ClinVar variation 2816110 (VCV002816110.3), dbSNP rs2514582221, ClinGen allele CA2739276609.

ClinVar aggregate classification (germline): Pathogenic (1 of 4 stars; one submission).

Conditions:
T-B+ severe combined immunodeficiency due to JAK3 deficiency. Also called: SCID, T CELL-NEGATIVE, B CELL-POSITIVE, NK CELL-NEGATIVE; SCID, autosomal recessive, T-negative/B-positive type. Identifiers: Orphanet 35078, MedGen C1833275, MONDO:0010938, OMIM 600802.

Submission:

Labcorp Genetics (formerly Invitae), Labcorp
Classification: Pathogenic for T-B+ severe combined immunodeficiency due to JAK3 deficiency. Last evaluated: 2022-11-23. Review status: criteria provided, single submitter. Criteria: Invitae Variant Classification Sherloc (09022015). Collection method: clinical testing. Allele origin: germline.
Comment: This sequence change creates a premature translational stop signal (p.Phe43Profs*103) in the JAK3 gene. It is expected to result in an absent or disrupted protein product. Loss-of-function variants in JAK3 are known to be pathogenic (PMID: 7481768, 11668621). This variant is not present in population databases (gnomAD no frequency). This variant has not been reported in the literature in individuals affected with JAK3-related conditions. For these reasons, this variant has been classified as Pathogenic.

Literature cited by the submitters: PubMed 7481768; PubMed 11668621.